The following is an entry in ClinVar:

NM_198576.4(AGRN):c.5254-5C>T

Gene: AGRN (agrin; plus strand). Cytogenetic location: 1p36.33.
Variant type: single nucleotide variant.
Coding change: c.5254-5C>T on transcript NM_198576.4 (MANE Select); 5 bases into the intron before coding-DNA position 5254, C replaced by T.
Molecular consequence: intron variant.
Genome position (GRCh38, 1-based): chr1:1,051,248, C>T. VCF-style: chr1-1051248-C-T. GRCh37 (hg19) VCF-style: chr1-986628-C-T.
Other names: p.?; c.5266-5C>T (NM_001305275.2); c.4951-5C>T (NM_001364727.2).
Identifiers: ClinVar variation 474146 (VCV000474146.89), dbSNP rs34708466, ClinGen allele CA509968.

ClinVar aggregate classification (germline): Benign/Likely benign. Review status: criteria provided, multiple submitters, no conflicts (2 of 4 stars). 5 submissions from 5 submitters: Benign (2); Likely benign (3). Last evaluated 2026-01-22.

Conditions:
Congenital myasthenic syndrome 8. Also called: Myasthenic syndrome, congenital, 8, with pre- and postsynaptic defects; MYASTHENIC SYNDROME, CONGENITAL, DUE TO AGRIN DEFICIENCY. Identifiers: Orphanet 590, MedGen C3808739, MONDO:0014052, OMIM 615120.

Allele frequency attached by ClinVar (database versions not stated): 1000 Genomes Project 0.00060; 1000 Genomes Project 30x 0.00094; gnomAD exomes 0.00226 and 0.00382; gnomAD 0.00245 and 0.00248; TOPMed 0.00268; ESP Exome Variant Server 0.00340; ExAC 0.00593.
gnomAD v4.1: 5,835 of 1,580,848 alleles (0.37%); highest among the groups gnomAD compares: Non-Finnish European, 0.46%; 16 homozygotes.

Submissions (5):

Labcorp Genetics (formerly Invitae), Labcorp
Classification: Benign for Congenital myasthenic syndrome 8. Last evaluated: 2026-01-22. Review status: criteria provided, single submitter. Criteria: Invitae Variant Classification Sherloc (09022015). Collection method: clinical testing. Allele origin: germline.

CeGaT Center for Human Genetics Tuebingen
Classification: Likely benign. Last evaluated: 2025-03-01. Review status: criteria provided, single submitter. Criteria: CeGaT Center For Human Genetics Tuebingen Variant Classification Criteria Version 2. Collection method: clinical testing. Allele origin: germline. Affected: yes. Observed: 5 variant alleles.
Comment: AGRN: BP4, BS2

Blueprint Genetics
Classification: Likely benign. Last evaluated: 2024-11-04. Review status: criteria provided, single submitter. Criteria: ACMG Guidelines, 2015. Collection method: clinical testing. Allele origin: germline.

Mayo Clinic Laboratories, Mayo Clinic
Classification: Benign. Last evaluated: 2023-12-21. Review status: criteria provided, single submitter. Criteria: ACMG Guidelines, 2015. Collection method: clinical testing. Allele origin: germline. Observed: 3 variant alleles.
Comment: BS1, BS2, BP4, BP7

GeneDx
Classification: Likely benign. Last evaluated: 2020-01-28. Review status: criteria provided, single submitter. Criteria: GeneDx Variant Classification Process June 2021. Collection method: clinical testing. Allele origin: germline. Affected: yes.